The following is an entry in ClinVar:

NM_006206.6(PDGFRA):c.3122+9G>A

Gene: PDGFRA (platelet derived growth factor receptor alpha; plus strand). Cytogenetic location: 4q12.
Variant type: single nucleotide variant.
Coding change: c.3122+9G>A on transcript NM_006206.6 (MANE Select); 9 bases into the intron after coding-DNA position 3122, G replaced by A.
Molecular consequence: intron variant.
Genome position (GRCh38, 1-based): chr4:54,290,563, G>A. VCF-style: chr4-54290563-G-A. GRCh37 (hg19) VCF-style: chr4-55156730-G-A.
Other names: c.3197+9G>A (NM_001347828.2); c.3122+9G>A (NM_001347829.2); c.3161+9G>A (NM_001347830.2).
Identifiers: ClinVar variation 1094156 (VCV001094156.10), dbSNP rs1724580513, ClinGen allele CA1458541311.

ClinVar aggregate classification (germline): Likely benign. Review status: criteria provided, multiple submitters, no conflicts (2 of 4 stars). 2 submissions from 2 submitters: Likely benign (2). Last evaluated 2026-06-16.

Conditions:
Gastrointestinal stromal tumor. Also called: Gastrointestinal stroma tumor; Gastrointestinal stromal tumor, somatic. Identifiers: Orphanet 44890, MedGen C0238198, MeSH D046152, MONDO:0011719, OMIM 606764, HP:0100723.
Polyps, multiple and recurrent inflammatory fibroid, gastrointestinal. Identifiers: MedGen C5193005, MONDO:0008285, OMIM 175510.

Allele frequency attached by ClinVar (database versions not stated): TOPMed below 0.00001.
gnomAD v4.1: 7 of 1,614,078 alleles (0.00043%); highest among the groups gnomAD compares: Non-Finnish European, 0.00051%; no homozygotes.

Submissions (2):

Myriad Genetics, Inc.
Classification: Likely benign for Polyps, multiple and recurrent inflammatory fibroid, gastrointestinal. Last evaluated: 2026-06-16. Review status: criteria provided, single submitter. Criteria: Myriad Autosomal Dominant, Autosomal Recessive and X-Linked Classification Criteria (2023). Collection method: clinical testing. Allele origin: unknown.
Comment: This variant is considered likely benign. This variant is intronic and is not expected to impact mRNA splicing.

Labcorp Genetics (formerly Invitae), Labcorp
Classification: Likely benign for Gastrointestinal stromal tumor. Last evaluated: 2025-02-13. Review status: criteria provided, single submitter. Criteria: Invitae Variant Classification Sherloc (09022015). Collection method: clinical testing. Allele origin: germline.